The following is an entry in ClinVar:

ClinVar aggregate classification (germline): Uncertain significance. Review status: criteria provided, multiple submitters, no conflicts (2 of 4 stars). 2 submissions from 2 submitters: Uncertain significance (2). Last evaluated 2022-11-10.

Conditions:
Hereditary cancer-predisposing syndrome. Also called: Neoplastic Syndromes, Hereditary; Hereditary neoplastic syndrome; Tumor predisposition; Hereditary Cancer Syndrome. Identifiers: Orphanet 140162, MedGen C0027672, MeSH D009386, MONDO:0015356.

Submissions (2):

Ambry Genetics
Classification: Uncertain significance for Hereditary cancer-predisposing syndrome. Last evaluated: 2022-11-10. Review status: criteria provided, single submitter. Criteria: Ambry Variant Classification Scheme 2023. Collection method: clinical testing. Allele origin: germline.
Comment: The c.537_538delCCinsAG variant (also known as p.L180V), located in coding exon 4 of the CTNNA1 gene, results from an in-frame deletion of CC and insertion of AG at nucleotide positions 537 to 538. This results in the substitution of the leucine residue for a valine residue at codon 180, an amino acid with highly similar properties. This amino acid position is well conserved in available vertebrate species. The evidence for this gene-disease relationship is limited; therefore, the clinical significance of this alteration is unclear.

Labcorp Genetics (formerly Invitae), Labcorp
Classification: Uncertain significance. Last evaluated: 2022-05-20. Review status: criteria provided, single submitter. Criteria: Invitae Variant Classification Sherloc (09022015). Collection method: clinical testing. Allele origin: germline.
Comment: In summary, the available evidence is currently insufficient to determine the role of this variant in disease. Therefore, it has been classified as a Variant of Uncertain Significance. Experimental studies and prediction algorithms are not available or were not evaluated, and the functional significance of this variant is currently unknown. This variant has not been reported in the literature in individuals affected with CTNNA1-related conditions. Information on the frequency of this variant in the gnomAD database is not available, as this variant may be reported differently in the database. This sequence change replaces leucine, which is neutral and non-polar, with valine, which is neutral and non-polar, at codon 180 of the CTNNA1 protein (p.Leu180Val).

NM_001903.5(CTNNA1):c.537_538delinsAG (p.Leu180Val)

Gene: CTNNA1 (catenin alpha 1; plus strand). Cytogenetic location: 5q31.2.
Variant type: Indel.
Coding change: c.537_538delinsAG on transcript NM_001903.5 (MANE Select); coding-DNA positions 537 to 538, CC replaced by AG.
Protein change: p.Leu180Val; replaces leucine 180 with valine.
Molecular consequence: missense variant.
Genome position (GRCh38, 1-based): chr5:138,812,251-138,812,252, CC replaced by AG. VCF-style: chr5-138812251-CC-AG. GRCh37 (hg19) VCF-style: chr5-138147940-CC-AG.
Other names: c.537_538delinsAG, p.Leu180Val (NM_001290307.3, NM_001323982.2, NM_001323983.1 and 3 more transcripts); c.228_229delinsAG, p.Leu77Val (NM_001290309.3); c.168_169delinsAG, p.Leu57Val (NM_001290310.3); c.537_538delCCinsAG (NM_001903.2); short protein forms L77V, L180V, L57V.
Identifiers: ClinVar variation 1997139 (VCV001997139.6), dbSNP rs2532348887, ClinGen allele CA2580072867.